The following is an entry in ClinVar:

NM_006623.4(PHGDH):c.739C>T (p.Arg247Trp)

Gene: PHGDH (phosphoglycerate dehydrogenase; plus strand). Cytogenetic location: 1p12.
Variant type: single nucleotide variant.
Coding change: c.739C>T on transcript NM_006623.4 (MANE Select); coding-DNA position 739, C replaced by T.
Protein change: p.Arg247Trp; replaces arginine 247 with tryptophan.
Molecular consequence: missense variant.
Genome position (GRCh38, 1-based): chr1:119,735,390, C>T. VCF-style: chr1-119735390-C-T. GRCh37 (hg19) VCF-style: chr1-120278013-C-T.
Other names: short protein forms R247W.
Identifiers: ClinVar variation 1370916 (VCV001370916.7), dbSNP rs768347730, ClinGen allele CA1037234.

ClinVar aggregate classification (germline): Uncertain significance (1 of 4 stars; one submission).

Conditions:
PHGDH deficiency. Identifiers: Orphanet 79351, MedGen C1866174, MONDO:0011152, OMIM 601815.

Allele frequency attached by ClinVar (database versions not stated): gnomAD exomes 0.00002; ExAC 0.00003; gnomAD 0.00004 and 0.00006; TOPMed 0.00005.

Submission:

Labcorp Genetics (formerly Invitae), Labcorp
Classification: Uncertain significance for PHGDH deficiency. Last evaluated: 2024-10-25. Review status: criteria provided, single submitter. Criteria: Invitae Variant Classification Sherloc (09022015). Collection method: clinical testing. Allele origin: germline.
Comment: This sequence change replaces arginine, which is basic and polar, with tryptophan, which is neutral and slightly polar, at codon 247 of the PHGDH protein (p.Arg247Trp). This variant is present in population databases (rs768347730, gnomAD 0.03%), including at least one homozygous and/or hemizygous individual. This variant has not been reported in the literature in individuals affected with PHGDH-related conditions. ClinVar contains an entry for this variant (Variation ID: 1370916). Invitae Evidence Modeling of protein sequence and biophysical properties (such as structural, functional, and spatial information, amino acid conservation, physicochemical variation, residue mobility, and thermodynamic stability) has been performed for this missense variant. However, the output from this modeling did not meet the statistical confidence thresholds required to predict the impact of this variant on PHGDH protein function. In summary, the available evidence is currently insufficient to determine the role of this variant in disease. Therefore, it has been classified as a Variant of Uncertain Significance.